The following is an entry in ClinVar:

ClinVar aggregate classification (germline): Pathogenic (1 of 4 stars; one submission).

Conditions:
Exostoses, multiple, type 2 (EXT2). Also called: Hereditary Multiple Osteochondromatosis, Type II; EXOSTOSES, MULTIPLE, TYPE II. Identifiers: Orphanet 321, MedGen C1851413, MONDO:0007586, OMIM 133701.

Submission:

Labcorp Genetics (formerly Invitae), Labcorp
Classification: Pathogenic for Exostoses, multiple, type 2. Last evaluated: 2020-09-23. Review status: criteria provided, single submitter. Criteria: Invitae Variant Classification Sherloc (09022015). Collection method: clinical testing. Allele origin: germline.
Comment: For these reasons, this variant has been classified as Pathogenic. Loss-of-function variants in EXT2 are known to be pathogenic (PMID: 10679937, 19810120). This variant has not been reported in the literature in individuals with EXT2-related conditions. This variant is not present in population databases (ExAC no frequency). This sequence change creates a premature translational stop signal (p.Tyr526*) in the EXT2 gene. It is expected to result in an absent or disrupted protein product.

Literature cited by the submitters: PubMed 10679937; PubMed 19810120.

NM_207122.2(EXT2):c.1577dup (p.Tyr526Ter)

Gene: EXT2 (exostosin glycosyltransferase 2; plus strand). Cytogenetic location: 11p11.2.
Variant type: Duplication.
Coding change: c.1577dup on transcript NM_207122.2 (MANE Select); coding-DNA position 1577, one base duplicated (A; older notation c.1577dupA).
Protein change: p.Tyr526Ter; replaces tyrosine 526 with a stop codon.
Molecular consequence: nonsense.
Genome position (GRCh38, 1-based): chr11:44,206,874, A duplicated. VCF-style (leftmost placement, unchanged base first): chr11-44206873-T-TA. GRCh37 (hg19) VCF-style: chr11-44228423-T-TA.
Other names: c.1676dup, p.Tyr559Ter (NM_000401.3); c.1607dup, p.Tyr536Ter (NM_001178083.3); short protein forms Y526*, Y536*, Y559*.
Identifiers: ClinVar variation 1076808 (VCV001076808.7), dbSNP rs2135204843, ClinGen allele CA2499220948.